The following is an entry in ClinVar:

NM_001134363.3(RBM20):c.485C>T (p.Thr162Ile)

Gene: RBM20 (RNA binding motif protein 20; plus strand). Cytogenetic location: 10q25.2.
Variant type: single nucleotide variant.
Coding change: c.485C>T on transcript NM_001134363.3 (MANE Select); coding-DNA position 485, C replaced by T.
Protein change: p.Thr162Ile; replaces threonine 162 with isoleucine.
Molecular consequence: missense variant.
Genome position (GRCh38, 1-based): chr10:110,781,094, C>T. VCF-style: chr10-110781094-C-T. GRCh37 (hg19) VCF-style: chr10-112540852-C-T.
Other names: short protein forms T162I.
Identifiers: ClinVar variation 579014 (VCV000579014.11), dbSNP rs1214311876, ClinGen allele CA378380690.

ClinVar aggregate classification (germline): Uncertain significance. Review status: criteria provided, multiple submitters, no conflicts (2 of 4 stars). 2 submissions from 2 submitters: Uncertain significance (2). Last evaluated 2025-10-21.

Conditions:
Cardiomyopathy (CMYO). Also called: Cardiomyopathies. Identifiers: Orphanet 167848, MedGen C0878544, MONDO:0004994, HP:0001638. Inheritance: Various modes of inheritance.
Dilated cardiomyopathy 1DD (CMD1DD). Identifiers: Orphanet 154, MedGen C2750995, MONDO:0013168, OMIM 613172.

Allele frequency attached by ClinVar (database versions not stated): TOPMed below 0.00001; gnomAD 0.00001; gnomAD exomes 0.00002.
gnomAD v4.1: 29 of 1,551,884 alleles (0.0019%); highest among the groups gnomAD compares: Middle Eastern, 0.017%; no homozygotes.

Submissions (2):

Labcorp Genetics (formerly Invitae), Labcorp
Classification: Uncertain significance for Dilated cardiomyopathy 1DD. Last evaluated: 2025-10-21. Review status: criteria provided, single submitter. Criteria: Invitae Variant Classification Sherloc (09022015). Collection method: clinical testing. Allele origin: germline.
Comment: This sequence change replaces threonine, which is neutral and polar, with isoleucine, which is neutral and non-polar, at codon 162 of the RBM20 protein (p.Thr162Ile). This variant is not present in population databases (gnomAD no frequency). This missense change has been observed in individual(s) with unexplained cardiac arrest (PMID: 35352813). ClinVar contains an entry for this variant (Variation ID: 579014). Invitae Evidence Modeling of protein sequence and biophysical properties (such as structural, functional, and spatial information, amino acid conservation, physicochemical variation, residue mobility, and thermodynamic stability) indicates that this missense variant is not expected to disrupt RBM20 protein function with a negative predictive value of 95%. In summary, the available evidence is currently insufficient to determine the role of this variant in disease. Therefore, it has been classified as a Variant of Uncertain Significance.

CHEO Genetics Diagnostic Laboratory, Children's Hospital of Eastern Ontario
Classification: Uncertain significance for Cardiomyopathy. Last evaluated: 2020-12-10. Review status: criteria provided, single submitter. Criteria: ACMG Guidelines, 2015. Collection method: clinical testing. Allele origin: germline.

Literature cited by the submitters: PubMed 35352813 (cited by Labcorp Genetics (formerly Invitae), Labcorp).